The following is an entry in ClinVar:

NM_177438.3(DICER1):c.1554_1555delinsCG (p.Thr519Ala)

Gene: DICER1 (dicer 1, ribonuclease III; minus strand). Cytogenetic location: 14q32.13.
Variant type: Indel.
Coding change: c.1554_1555delinsCG on transcript NM_177438.3 (MANE Select); coding-DNA positions 1554 to 1555, AA replaced by CG.
Protein change: p.Thr519Ala; replaces threonine 519 with alanine.
Molecular consequence: missense variant.
Genome position (GRCh38, 1-based): chr14:95,116,650-95,116,651, TT replaced by CG on the plus strand (AA replaced by CG on the coding strand, the reverse complement: DICER1 is on the minus strand). VCF-style: chr14-95116650-TT-CG. GRCh37 (hg19) VCF-style: chr14-95582987-TT-CG.
Other names: c.1554_1555delinsCG, p.Thr519Ala (NM_001195573.1, NM_001271282.3, NM_001291628.2 and 1 more transcripts); short protein forms T519A.
Identifiers: ClinVar variation 1060537 (VCV001060537.8), dbSNP rs2140126051, ClinGen allele CA2499222819.

ClinVar aggregate classification (germline): Uncertain significance (1 of 4 stars; one submission).

Conditions:
DICER1-related tumor predisposition. Also called: DICER1 syndrome; DICER1-related pleuropulmonary blastoma cancer predisposition syndrome. Identifiers: Orphanet 284343, MedGen C3839822, MONDO:0100216.

Submission:

Labcorp Genetics (formerly Invitae), Labcorp
Classification: Uncertain significance for DICER1-related tumor predisposition. Last evaluated: 2020-10-16. Review status: criteria provided, single submitter. Criteria: Invitae Variant Classification Sherloc (09022015). Collection method: clinical testing. Allele origin: germline.
Comment: This sequence change replaces threonine with alanine at codon 519 of the DICER1 protein (p.Thr519Ala). The threonine residue is highly conserved and there is a small physicochemical difference between threonine and alanine. In summary, the available evidence is currently insufficient to determine the role of this variant in disease. Therefore, it has been classified as a Variant of Uncertain Significance. Experimental studies and prediction algorithms are not available or were not evaluated, and the functional significance of this variant is currently unknown. This variant has not been reported in the literature in individuals with DICER1-related conditions. The frequency data for this variant in the population databases is not available, as this variant may be reported as separate entries in the ExAC database.